The following is an entry in ClinVar:

ClinVar aggregate classification (germline): Conflicting classifications of pathogenicity. Review status: criteria provided, conflicting classifications (1 of 4 stars). 13 submissions from 11 submitters: Pathogenic (1); Established risk allele (1); Uncertain significance (1); Benign (4); Likely benign (1). 5 of the submissions do not count toward it. Last evaluated 2026-05-14.

Conditions:
MC1R-related disorder. Also called: MC1R-related condition.
SKIN/HAIR/EYE PIGMENTATION, VARIATION IN, 2 (SHEP2). Also called: RED HAIR COLOR; BLOND HAIR/FAIR SKIN; HAIR COLOR 2. Identifiers: MedGen C1849452, OMIM 266300.
Skin/hair/eye pigmentation 2, red hair/fair skin. Identifiers: MedGen C4016260.
Melanoma, cutaneous malignant, susceptibility to, 5. Also called: Cutaneous malignant melanoma 5. Identifiers: Orphanet 618, MedGen C2751295, MONDO:0013133, OMIM 613099.
Increased analgesia from kappa-opioid receptor agonist, female-specific. Identifiers: MedGen C2751296, OMIM 613098.
ALBINISM, OCULOCUTANEOUS, TYPE II, MODIFIER OF. Identifiers: MedGen C1835054.
Tyrosinase-positive oculocutaneous albinism (OCA2). Also called: Oculocutaneous albinism type 2; Albinism, oculocutaneous, type II; ALBINISM II. Identifiers: Orphanet 79432, MedGen C0268495, MONDO:0008746, OMIM 203200.
Malignant tumor of breast. Also called: Cancer breast; Malignant breast neoplasm. Identifiers: MedGen C0006142, MONDO:0007254. Disease mechanism: loss of function.

Allele frequency attached by ClinVar (database versions not stated): gnomAD 0.04851 and 0.04620; gnomAD exomes 0.04717 and 0.07149; ExAC 0.05027; 1000 Genomes Project 30x 0.01452; 1000 Genomes Project 0.01458; TOPMed 0.04121.
gnomAD v4.1: 109,959 of 1,606,068 alleles (6.8%); highest among the groups gnomAD compares: Non-Finnish European, 8.4%; 4,568 homozygotes.

Submissions (13):

PreventionGenetics, part of Exact Sciences
Classification: Benign for MC1R-related condition. Last evaluated: 2026-05-14. Review status: criteria provided, single submitter. Criteria: ACMG Guidelines, 2015. Collection method: clinical testing. Allele origin: germline.
Comment: This variant is classified as benign based on ACMG/AMP sequence variant interpretation guidelines (Richards et al. 2015 PMID: 25741868, with internal and published modifications).

Labcorp Genetics (formerly Invitae), Labcorp
Classification: Benign for Melanoma, cutaneous malignant, susceptibility to, 5. Last evaluated: 2026-02-04. Review status: criteria provided, single submitter. Criteria: Invitae Variant Classification Sherloc (09022015). Collection method: clinical testing. Allele origin: germline.

Medical Genetics, Medical University Pleven
Classification: Pathogenic for SKIN/HAIR/EYE PIGMENTATION, VARIATION IN, 2. Last evaluated: 2025-10-01. Review status: criteria provided, single submitter. Criteria: ACMG Guidelines, 2015. Collection method: clinical testing. Allele origin: germline. Affected: yes.
Comment: MC1R variants are typically categorized into two groups: low-penetrance alleles (denoted as “r”) and high-penetrance alleles (“R”) in relation to their association with red hair color and melanoma risk . Common “r” alleles include Val60Leu, Val92Met, and Arg163Gln, while “R” alleles—such as Asp84Glu, Arg142His, Arg151Cys, Ile155Thr, Arg160Trp, and Asp294His—are more strongly associated with phenotypic traits and increased susceptibility to skin malignancies [PMID: 20374712, PMID: 24921092].

Laboratory of Genetics, Children's Clinical University Hospital Latvia
Classification: Benign. Last evaluated: 2025-02-16. Review status: criteria provided, single submitter. Criteria: ACMG Guidelines, 2015. Collection method: clinical testing. Allele origin: germline. Affected: yes.

Hema, HEMA – Genetic and Molecular Diagnostic Laboratory
Classification: Established risk allele for Tyrosinase-positive oculocutaneous albinism. Last evaluated: 2024-10-22. Review status: criteria provided, single submitter. Criteria: HEMA Variant Classification Assertion Criteria. Collection method: clinical testing. Allele origin: germline.
Comment: The MC1R c.478C>T (p.Arg160Trp) variant has been associated with an increased risk of melanoma. The variant has been observed in various populations, with a higher frequency in European populations (8.4%, gnomAD v4.1.0). Meta-analyses and case-control studies have reported a statistically significant association of the variant with melanoma (PMID: 16601669, 18366057, 24335900, 29968341, 34326492, 35357426) and with other skin cancers (PMID: 26103569, 29968341, 34326492). Functional studies have shown that the p.Arg160Trp variant affects the function of the MC1R protein (PMID: 17616515, 19452503, 34326492).

Mayo Clinic Laboratories, Mayo Clinic
Classification: Uncertain significance. Last evaluated: 2023-03-23. Review status: criteria provided, single submitter. Criteria: ACMG Guidelines, 2015. Collection method: clinical testing. Allele origin: germline. Observed: 30 variant alleles.
Comment: PS3_supporting, PS4_moderate

GeneDx
Classification: Benign. Last evaluated: 2023-01-26. Review status: criteria provided, single submitter. Criteria: GeneDx Variant Classification Process June 2021. Collection method: clinical testing. Allele origin: germline. Affected: yes.
Comment: The MC1R gene is highly polymorphic in the White population and associated with red hair color, fair skin, increased sensitivity to UV radiation, and consequent risk of melanoma and non-melanoma skin cancers (PMID: 21749400, 19338054). A single risk allele in MC1R may confer a risk 2 to 3 times higher than the general population risk, whereas carriers of two risk alleles in MC1R have a risk 4 to 6 times that of the general population (PMID: 26488006).; This variant is associated with the following publications: (PMID: 19077144, 18366057, 18282185, 22464597, 23647022, 24665948, 19320745, 11875032, 22337906, 22572819, 24335900, 20876876, 19656326, 10403794, 17616515, 9665397, 9302268, 11179997, 26103569, 30531825, 31382929, 30414346, 14709592, 11500805, 20629734, 24660985, 25303718, 19452503)

Illumina Laboratory Services, Illumina
Classification: Likely benign for Melanoma, cutaneous malignant, susceptibility to, 5. Last evaluated: 2017-04-27. Review status: criteria provided, single submitter. Criteria: ICSL Variant Classification Criteria 13 December 2019. Collection method: clinical testing. Allele origin: germline.
Comment: This variant was observed as part of a predisposition screen in an ostensibly healthy population. A literature search was performed for the gene, cDNA change, and amino acid change (where applicable). Publications were found based on this search. The evidence from the literature, in combination with allele frequency data from public databases where available, was sufficient to determine this variant is unlikely to cause disease. Therefore, this variant is classified as likely benign.

OMIM
Classification: association for SKIN/HAIR/EYE PIGMENTATION 2, RED HAIR/FAIR SKIN. Last evaluated: 2015-05-01. Review status: no assertion criteria provided. Collection method: literature only. Allele origin: germline. Not counted in ClinVar's aggregate classification.

OMIM
Classification: Affects for INCREASED ANALGESIA FROM KAPPA-OPIOID RECEPTOR AGONIST, FEMALE-SPECIFIC. Last evaluated: 2015-05-01. Review status: no assertion criteria provided. Collection method: literature only. Allele origin: germline. Not counted in ClinVar's aggregate classification.

OMIM
Classification: risk factor for OCULOCUTANEOUS ALBINISM, TYPE II, MODIFIER OF. Last evaluated: 2015-05-01. Review status: no assertion criteria provided. Collection method: literature only. Allele origin: germline. Not counted in ClinVar's aggregate classification.

Center of Medical Genetics and Primary Health Care
Classification: Likely benign for Breast Cancer. Review status: no assertion criteria provided. Collection method: clinical testing. Allele origin: germline. Affected: yes. Not counted in ClinVar's aggregate classification.

Department of Pathology and Laboratory Medicine, Sinai Health System
Classification: Likely benign. Review status: no assertion criteria provided. Collection method: clinical testing. Allele origin: unknown. Affected: yes. Study: The Canadian Open Genetics Repository (COGR). Not counted in ClinVar's aggregate classification.
Comment: The MC1R p.Arg160Trp variant was identified in dbSNP (ID: rs1805008) as â€šÃ„ÃºWith Pathogenic alleleâ€šÃ„Ã¹ and in ClinVar as conflicting interpretations of pathogenicity (six submissions: likely benign by PreventionGenetics and Illumina Clinical Services Laboratory, pathogenic by GeneDx, and three submissions from OMIM). The associated conditions in ClinVar include: increased analgesia from kappa-opioid receptor agonist, female-specific; skin/hair/eye pigmentation 2, red hair/fair skin; modifier of oculocutaneous albinism, type II; and malignant melanoma susceptibility. The variant was also in Clinvitae and LOVD 3.0 databases. The variant was not identified in COGR, Cosmic, MutDB, and UMD-LSDB databases. The variant was identified in control databases in 12963 of 272086 chromosomes (487 homozygous) at a frequency of 0.047643 increasing the likelihood this could be a low frequency benign variant (Genome Aggregation Database Feb 27, 2017). The variant was observed in the following populations: European (non-Finnish) in 10040 of 126010 chromosomes (freq: 0.07968), European (Finnish) in 1282 of 19538 chromosomes (freq: 0.06562), Ashkenazi Jewish in 589 of 10256 chromosomes (freq: 0.05743), Other in 298 of 7034 chromosomes (freq: 0.04237), African in 304 of 23942 chromosomes (freq: 0.0127), Latino in 289 of 35298 chromosomes (freq: 0.008187), South Asian in 160 of 30534 chromosomes (freq: 0.00524), and East Asian in 1 of 19474 chromosomes (freq: 0.000051). Raimondi et al. performed a meta-analysis on the association between the most studied MC1R variants, including p.Arg160Trp, and melanoma and/or red hair, fair skin phenotype. The variant was significantly associated with melanoma development, with OR of 1.43 (95 CI) and with red hair and fair skin with OR of 5.0 (95% CI) (Raimondi_2008_18366057). Tagliabue et al. investigated the association between MC1R variants and the risk of non-melanoma skin cancer (NMSC). Data on 3257 NMSC cases and 9391 controls was gathered through the M-SKIP Project (an international pooled-analysis on MC1R, skin cancer and phenotypic characteristics). The variant p.Arg160Trp showed a positive association with NMSC with a summary odds ratio of 1.67 (Tagliabue_2015_26103569). The p.Arg160 residue is conserved across mammals and other organisms, and computational analyses (PolyPhen-2, SIFT, AlignGVGD, BLOSUM) suggest that the variant may impact the protein; however, this information is not predictive enough to assume pathogenicity. The p.Arg160 residue is conserved across mammals and other organisms, and computational analyses (PolyPhen-2, SIFT, AlignGVGD, BLOSUM, MutationTaster) suggest that the variant may impact the protein; however, this information is not predictive enough to assume pathogenicity. In summary, based on the above information the clinical significance of this variant cannot be determined with certainty at this time although we would lean towards a more benign role for this variant. This variant is classified as likely benign. References: Raimondi, Sara, et al. "MC1R variants, melanoma and red hair color phenotype: a metaâ€šÃ„Ãªanalysis." International Journal of Cancer 122.12 (2008): 2753-2760. Tagliabue, Elena, et al. "MC1R gene variants and non-melanoma skin cancer: a pooled-analysis from the M-SKIP project." British journal of cancer 113.2 (2015): 354.

Literature cited by the submitters: DOI 10.1086/319500 (cited by Medical Genetics, Medical University Pleven); PubMed 16601669 (cited by Hema, HEMA – Genetic and Molecular Diagnostic Laboratory); PubMed 18366057 (cited by Hema, HEMA – Genetic and Molecular Diagnostic Laboratory and Mayo Clinic Laboratories, Mayo Clinic); PubMed 24335900 (cited by Hema, HEMA – Genetic and Molecular Diagnostic Laboratory); PubMed 29968341 (cited by Hema, HEMA – Genetic and Molecular Diagnostic Laboratory); PubMed 34326492 (cited by Hema, HEMA – Genetic and Molecular Diagnostic Laboratory); PubMed 35357426 (cited by Hema, HEMA – Genetic and Molecular Diagnostic Laboratory); PubMed 26103569 (cited by Hema, HEMA – Genetic and Molecular Diagnostic Laboratory); PubMed 17616515 (cited by Hema, HEMA – Genetic and Molecular Diagnostic Laboratory and Illumina Laboratory Services, Illumina); PubMed 19452503 (cited by Hema, HEMA – Genetic and Molecular Diagnostic Laboratory); PubMed 17952075 (cited by Illumina Laboratory Services, Illumina and OMIM); PubMed 19320745 (cited by Illumina Laboratory Services, Illumina); PubMed 9665397 (cited by Illumina Laboratory Services, Illumina and OMIM); Mogil, J. S. Personal Communication. 2003. Montreal, Canada (cited by OMIM); PubMed 15994880 (cited by OMIM); PubMed 12876664 (cited by OMIM); PubMed 24439955 (cited by OMIM); PubMed 25631192 (cited by OMIM); PubMed 26389967 (cited by OMIM); PubMed 26389780 (cited by OMIM).

NM_002386.4(MC1R):c.478C>T (p.Arg160Trp)

Genes: MC1R (melanocortin 1 receptor; plus strand), TUBB3 (tubulin beta 3 class III; plus strand). Cytogenetic location: 16q24.3.
Variant type: single nucleotide variant.
Coding change: c.478C>T on transcript NM_002386.4 (MANE Select); coding-DNA position 478, C replaced by T.
Protein change: p.Arg160Trp; replaces arginine 160 with tryptophan.
Molecular consequence: missense variant.
Genome position (GRCh38, 1-based): chr16:89,919,736, C>T. VCF-style: chr16-89919736-C-T. GRCh37 (hg19) VCF-style: chr16-89986144-C-T.
Other names: MC1R, ARG160TRP (rs1805008); short protein forms R160W.
Identifiers: ClinVar variation 14310 (VCV000014310.28), dbSNP rs1805008, ClinGen allele CA123867.